The following is an entry in ClinVar:

NM_024642.5(GALNT12):c.530A>C (p.Tyr177Ser)

Gene: GALNT12 (polypeptide N-acetylgalactosaminyltransferase 12; plus strand). Cytogenetic location: 9q22.33.
Variant type: single nucleotide variant.
Coding change: c.530A>C on transcript NM_024642.5 (MANE Select); coding-DNA position 530, A replaced by C.
Protein change: p.Tyr177Ser; replaces tyrosine 177 with serine.
Molecular consequence: missense variant.
Genome position (GRCh38, 1-based): chr9:98,823,414, A>C. VCF-style: chr9-98823414-A-C. GRCh37 (hg19) VCF-style: chr9-101585696-A-C.
Other names: short protein forms Y177S.
Identifiers: ClinVar variation 1462028 (VCV001462028.10), dbSNP rs867136237, ClinGen allele CA374216894.

ClinVar aggregate classification (germline): Uncertain significance. Review status: criteria provided, multiple submitters, no conflicts (2 of 4 stars). 2 submissions from 2 submitters: Uncertain significance (2). Last evaluated 2023-08-30.

Allele frequency attached by ClinVar (database versions not stated): TOPMed below 0.00001.

Submissions (2):

Ambry Genetics
Classification: Uncertain significance. Last evaluated: 2023-08-30. Review status: criteria provided, single submitter. Criteria: Ambry Variant Classification Scheme 2023. Collection method: clinical testing. Allele origin: germline.
Comment: The p.Y177S variant (also known as c.530A>C), located in coding exon 2 of the GALNT12 gene, results from an A to C substitution at nucleotide position 530. The tyrosine at codon 177 is replaced by serine, an amino acid with dissimilar properties. This amino acid position is conserved. In addition, the in silico prediction for this alteration is inconclusive. Since supporting evidence is limited at this time, the clinical significance of this alteration remains unclear.

Labcorp Genetics (formerly Invitae), Labcorp
Classification: Uncertain significance. Last evaluated: 2021-07-15. Review status: criteria provided, single submitter. Criteria: Invitae Variant Classification Sherloc (09022015). Collection method: clinical testing. Allele origin: germline.
Comment: This sequence change replaces tyrosine with serine at codon 177 of the GALNT12 protein (p.Tyr177Ser). The tyrosine residue is highly conserved and there is a large physicochemical difference between tyrosine and serine. In summary, the available evidence is currently insufficient to determine the role of this variant in disease. Therefore, it has been classified as a Variant of Uncertain Significance. Algorithms developed to predict the effect of missense changes on protein structure and function are either unavailable or do not agree on the potential impact of this missense change (SIFT: "Deleterious"; PolyPhen-2: "Probably Damaging"; Align-GVGD: "Class C0"). This variant has not been reported in the literature in individuals affected with GALNT12-related conditions. This variant is not present in population databases (ExAC no frequency).